The following is an entry in ClinVar:

NM_014846.4(WASHC5):c.683G>A (p.Arg228Gln)

Gene: WASHC5 (WASH complex subunit 5; minus strand). Cytogenetic location: 8q24.13.
Variant type: single nucleotide variant.
Coding change: c.683G>A on transcript NM_014846.4 (MANE Select); coding-DNA position 683, G replaced by A.
Protein change: p.Arg228Gln; replaces arginine 228 with glutamine.
Molecular consequence: missense variant.
Genome position (GRCh38, 1-based): chr8:125,078,766, C>T on the plus strand (G>A on the coding strand, the complement: WASHC5 is on the minus strand). VCF-style: chr8-125078766-C-T. GRCh37 (hg19) VCF-style: chr8-126091008-C-T.
Other names: c.683G>A (NM_014846.3); c.239G>A, p.Arg80Gln (NM_001330609.2); short protein forms R80Q, R228Q.
Identifiers: ClinVar variation 2924485 (VCV002924485.4), dbSNP rs138222483, ClinGen allele CA4874050.

ClinVar aggregate classification (germline): Uncertain significance. Review status: criteria provided, multiple submitters, no conflicts (2 of 4 stars). 2 submissions from 2 submitters: Uncertain significance (2). Last evaluated 2026-09-10.

Conditions:
Inborn genetic diseases. Identifiers: MedGen C0950123, MeSH D030342.
Hereditary spastic paraplegia 8 (SPG8). Also called: SPASTIC PARAPLEGIA 8, AUTOSOMAL DOMINANT. Identifiers: Orphanet 100989, MedGen C1863704, MONDO:0011339, OMIM 603563.
Ritscher-Schinzel syndrome. Also called: CRANIOCEREBELLOCARDIAC DYSPLASIA. Identifiers: Orphanet 7, MedGen C0796137, MONDO:0019078.

Allele frequency attached by ClinVar (database versions not stated): gnomAD 0.00001; gnomAD exomes 0.00001; ESP Exome Variant Server 0.00008; ExAC 0.00001; TOPMed 0.00001.
gnomAD v4.1: 11 of 1,613,660 alleles (0.00068%); highest among the groups gnomAD compares: East Asian, 0.0022%; no homozygotes.

Submissions (2):

Ambry Genetics
Classification: Uncertain significance for Inborn genetic diseases. Last evaluated: 2026-09-10. Review status: criteria provided, single submitter. Criteria: Ambry Variant Classification Scheme 2023. Collection method: clinical testing. Allele origin: germline.

Labcorp Genetics (formerly Invitae), Labcorp
Classification: Uncertain significance for Ritscher-Schinzel syndrome; Hereditary spastic paraplegia 8. Last evaluated: 2023-07-29. Review status: criteria provided, single submitter. Criteria: Invitae Variant Classification Sherloc (09022015). Collection method: clinical testing. Allele origin: germline.
Comment: This variant has not been reported in the literature in individuals affected with WASHC5-related conditions. In summary, the available evidence is currently insufficient to determine the role of this variant in disease. Therefore, it has been classified as a Variant of Uncertain Significance. Advanced modeling of protein sequence and biophysical properties (such as structural, functional, and spatial information, amino acid conservation, physicochemical variation, residue mobility, and thermodynamic stability) performed at Invitae indicates that this missense variant is not expected to disrupt WASHC5 protein function. This variant is present in population databases (rs138222483, gnomAD 0.0009%). This sequence change replaces arginine, which is basic and polar, with glutamine, which is neutral and polar, at codon 228 of the WASHC5 protein (p.Arg228Gln).